The following is an entry in ClinVar:

ClinVar aggregate classification (germline): Likely pathogenic. Review status: criteria provided, multiple submitters, no conflicts (2 of 4 stars). 3 submissions from 3 submitters: Likely pathogenic (3). Last evaluated 2025-11-12.

Conditions:
Peroxisome biogenesis disorder 4A (Zellweger) (PBD4A). Also called: Zellweger syndrome spectrum (PEX6-related). Identifiers: Orphanet 912, MedGen C3553936, MONDO:0013930, OMIM 614862. Disease mechanism: loss of function.
Peroxisome biogenesis disorder 4B (PBD4B). Also called: SPINOCEREBELLAR ATAXIA WITH BLINDNESS AND DEAFNESS 1. Identifiers: Orphanet 44, Orphanet 95433, MedGen C3553937, MONDO:0013931, OMIM 614863.
Heimler syndrome 2 (HMLR2). Also called: PEROXISOME BIOGENESIS DISORDER 4C. Identifiers: Orphanet 3220, MedGen C4225267, OMIM 616617, MONDO:0014709.
Peroxisome biogenesis disorder. Identifiers: Orphanet 79189, MedGen C1832200, MONDO:0019234. Disease mechanism: loss of function.

Submissions (3):

Myriad Genetics, Inc.
Classification: Likely pathogenic for Peroxisome biogenesis disorder. Last evaluated: 2025-11-12. Review status: criteria provided, single submitter. Criteria: Myriad Autosomal Dominant, Autosomal Recessive and X-Linked Classification Criteria (2023). Collection method: clinical testing. Allele origin: unknown.
Comment: NM_000287.3(PEX6):c.1689-1G>A is a variant in a canonical splice site classified as likely pathogenic in the context of peroxisome biogenesis disorder type 4. c.1689-1G>A has not been observed in cases with relevant disease. Relevant functional assessments of this variant are not available in the literature. c.1689-1G>A has not been observed in referenced population frequency databases. In summary, NM_000287.3(PEX6):c.1689-1G>A is a variant in a canonical splice site in a gene where loss of function is a known mechanism of disease and is predicted to disrupt protein function. Please note: this variant was assessed in the context of healthy population screening.

Fulgent Genetics
Classification: Likely pathogenic for Peroxisome biogenesis disorder 4A (Zellweger); Peroxisome biogenesis disorder 4B; Heimler syndrome 2. Last evaluated: 2024-01-02. Review status: criteria provided, single submitter. Criteria: ACMG Guidelines, 2015. Collection method: clinical testing. Allele origin: germline.

Labcorp Genetics (formerly Invitae), Labcorp
Classification: Likely pathogenic for Peroxisome biogenesis disorder. Last evaluated: 2021-08-31. Review status: criteria provided, single submitter. Criteria: Invitae Variant Classification Sherloc (09022015). Collection method: clinical testing. Allele origin: germline.
Comment: This sequence change affects an acceptor splice site in intron 7 of the PEX6 gene. It is expected to disrupt RNA splicing. Variants that disrupt the donor or acceptor splice site typically lead to a loss of protein function (PMID: 16199547), and loss-of-function variants in PEX6 are known to be pathogenic (PMID: 8670792, 19877282, 21031596). This variant is not present in population databases (ExAC no frequency). Disruption of this splice site has been observed in individual(s) with PEX6-related conditions (PMID: 19877282). Algorithms developed to predict the effect of sequence changes on RNA splicing suggest that this variant may disrupt the consensus splice site. In summary, the currently available evidence indicates that the variant is pathogenic, but additional data are needed to prove that conclusively. Therefore, this variant has been classified as Likely Pathogenic.

Literature cited by the submitters: PubMed 16199547 (cited by Labcorp Genetics (formerly Invitae), Labcorp); PubMed 8670792 (cited by Labcorp Genetics (formerly Invitae), Labcorp); PubMed 19877282 (cited by Labcorp Genetics (formerly Invitae), Labcorp); PubMed 21031596 (cited by Labcorp Genetics (formerly Invitae), Labcorp).

NM_000287.4(PEX6):c.1689-1G>A

Gene: PEX6 (peroxisomal biogenesis factor 6; minus strand). Cytogenetic location: 6p21.1.
Variant type: single nucleotide variant.
Coding change: c.1689-1G>A on transcript NM_000287.4 (MANE Select); the canonical splice acceptor site of the intron before coding-DNA position 1689, G replaced by A.
Molecular consequence: splice acceptor variant.
Genome position (GRCh38, 1-based): chr6:42,967,564, C>T on the plus strand (G>A on the coding strand, the complement: PEX6 is on the minus strand). VCF-style: chr6-42967564-C-T. GRCh37 (hg19) VCF-style: chr6-42935302-C-T.
Other names: c.1425-1G>A (NM_001316313.2).
Identifiers: ClinVar variation 1066523 (VCV001066523.8), dbSNP rs267608223, ClinGen allele CA364153944.